The following is an entry in ClinVar:

ClinVar aggregate classification (germline): Uncertain significance (1 of 4 stars; one submission).

Conditions:
RASopathy. Also called: rasopathies; Noonan spectrum disorder. Identifiers: Orphanet 536391, MedGen C5555857, MONDO:0021060.

Submission:

Labcorp Genetics (formerly Invitae), Labcorp
Classification: Uncertain significance for RASopathy. Last evaluated: 2024-02-02. Review status: criteria provided, single submitter. Criteria: Invitae Variant Classification Sherloc (09022015). Collection method: clinical testing. Allele origin: germline.
Comment: This sequence change replaces glutamic acid, which is acidic and polar, with lysine, which is basic and polar, at codon 99 of the SHOC2 protein (p.Glu99Lys). This variant is not present in population databases (gnomAD no frequency). This variant has not been reported in the literature in individuals affected with SHOC2-related conditions. Advanced modeling of protein sequence and biophysical properties (such as structural, functional, and spatial information, amino acid conservation, physicochemical variation, residue mobility, and thermodynamic stability) performed at Invitae indicates that this missense variant is not expected to disrupt SHOC2 protein function with a negative predictive value of 80%. In summary, the available evidence is currently insufficient to determine the role of this variant in disease. Therefore, it has been classified as a Variant of Uncertain Significance.

NM_007373.4(SHOC2):c.295G>A (p.Glu99Lys)

Gene: SHOC2 (SHOC2 leucine rich repeat scaffold protein; plus strand). Cytogenetic location: 10q25.2.
Variant type: single nucleotide variant.
Coding change: c.295G>A on transcript NM_007373.4 (MANE Select); coding-DNA position 295, G replaced by A.
Protein change: p.Glu99Lys; replaces glutamic acid 99 with lysine.
Molecular consequence: missense variant.
Genome position (GRCh38, 1-based): chr10:110,964,653, G>A. VCF-style: chr10-110964653-G-A. GRCh37 (hg19) VCF-style: chr10-112724411-G-A.
Other names: c.295G>A, p.Glu99Lys (NM_001269039.3, NM_001324336.2, NM_001324337.2); short protein forms E99K.
Identifiers: ClinVar variation 3673350 (VCV003673350.2).